The following is an entry in ClinVar:

NM_183050.4(BCKDHB):c.548G>A (p.Arg183Gln)

Gene: BCKDHB (branched chain keto acid dehydrogenase E1 subunit beta; plus strand). Cytogenetic location: 6q14.1.
Variant type: single nucleotide variant.
Coding change: c.548G>A on transcript NM_183050.4 (MANE Select); coding-DNA position 548, G replaced by A.
Protein change: p.Arg183Gln; replaces arginine 183 with glutamine.
Molecular consequence: missense variant. On other transcripts: non-coding transcript variant (1).
Genome position (GRCh38, 1-based): chr6:80,168,945, G>A. VCF-style: chr6-80168945-G-A. GRCh37 (hg19) VCF-style: chr6-80878662-G-A.
Other names: c.548G>A, p.Arg183Gln (NM_000056.5); c.338G>A, p.Arg113Gln (NM_001318975.1); short protein forms R183Q, R113Q.
Identifiers: ClinVar variation 527135 (VCV000527135.18), dbSNP rs79761867, ClinGen allele CA142284037.

ClinVar aggregate classification (germline): Pathogenic/Likely pathogenic. Review status: criteria provided, multiple submitters, no conflicts (2 of 4 stars). 6 submissions from 6 submitters: Pathogenic (1); Likely pathogenic (5). Last evaluated 2025-10-30.

Conditions:
Maple syrup urine disease type 1A (MSUD1A). Also called: MSUD type 1A. Identifiers: MedGen C1855369, MONDO:0023691, OMIM 248600.
Maple syrup urine disease (MSUD). Identifiers: Orphanet 511, MedGen C0024776, MeSH D008375, MONDO:0009563. Disease mechanism: loss of function.
Maple syrup urine disease type 1B (MSUD1B). Also called: MSUD type IB; MSUD type 3 (formerly); MSUD due to deficiency of e1-beta subunit of branched-chain alpha-keto acid dehydrogenase complex. Identifiers: MedGen C2930990, MONDO:0023692, OMIM 620698.

Allele frequency attached by ClinVar (database versions not stated): TOPMed 0.00002.
gnomAD v4.1: 7 of 1,614,074 alleles (0.00043%); highest among the groups gnomAD compares: Non-Finnish European, 0.00059%; no homozygotes.

Submissions (6):

Natera, Inc.
Classification: Likely pathogenic for Maple syrup urine disease type 1B. Last evaluated: 2025-10-30. Review status: criteria provided, single submitter. Criteria: Natera Variant Classification Schema (03/2026). Collection method: clinical testing. Allele origin: germline.
Comment: The c.548G>A variant in BCKDHB is a missense variant predicted to cause substitution of arginine to glutamine at amino acid 183. This variant is rare in the general population with a frequency below the threshold expected for the associated phenotype(s). This variant has been observed in one or more individuals affected with the associated recessive disease, as either homozygous or compound heterozygous with a second variant (PMID: 22593002). A different variant at the same position has been determined to be Pathogenic or Likely Pathogenic. Computational prediction algorithms indicate this variant is likely to affect gene or protein function. Given the available evidence, this variant is classified as Likely Pathogenic.

Women's Health and Genetics/Laboratory Corporation of America, LabCorp
Classification: Likely pathogenic for Maple syrup urine disease. Last evaluated: 2025-06-24. Review status: criteria provided, single submitter. Criteria: LabCorp Variant Classification Summary - May 2015. Collection method: clinical testing. Allele origin: germline.
Comment: Variant summary: BCKDHB c.548G>A (p.Arg183Gln) results in a conservative amino acid change located in the Transketolase-like, pyrimidine-binding domain (IPR005475) of the encoded protein sequence. Algorithms developed to predict the effect of missense changes on protein structure and function are either unavailable or do not agree on the potential impact of this missense change. The variant allele was found at a frequency of 4e-06 in 251348 control chromosomes. c.548G>A has been observed in individual(s) affected with Maple Syrup Urine Disease (Bashyam_2012, internal data). These data indicate that the variant may be associated with disease. A different variant affecting the same codon has been classified as likely pathogenic/pathogenic by our lab (c.548G>C, p.Arg183Pro), supporting the critical relevance of codon 183 to BCKDHB protein function. To our knowledge, no experimental evidence demonstrating an impact on protein function has been reported. The following publications have been ascertained in the context of this evaluation (PMID: 22593002, 26257134, 28197878). ClinVar contains an entry for this variant (Variation ID: 527135). Based on the evidence outlined above, the variant was classified as likely pathogenic.

Laboratory of Medical Genetics, National & Kapodistrian University of Athens
Classification: Likely pathogenic for Maple syrup urine disease type 1B. Last evaluated: 2024-02-01. Review status: criteria provided, single submitter. Criteria: ACMG Guidelines, 2015. Collection method: curation. Allele origin: germline. Affected: no.

Labcorp Genetics (formerly Invitae), Labcorp
Classification: Likely pathogenic for Maple syrup urine disease. Last evaluated: 2024-01-09. Review status: criteria provided, single submitter. Criteria: Invitae Variant Classification Sherloc (09022015). Collection method: clinical testing. Allele origin: germline.
Comment: This sequence change replaces arginine, which is basic and polar, with glutamine, which is neutral and polar, at codon 183 of the BCKDHB protein (p.Arg183Gln). This variant is present in population databases (no rsID available, gnomAD 0.0009%). This missense change has been observed in individuals with maple-syrup urine disease (PMID: 22593002). ClinVar contains an entry for this variant (Variation ID: 527135). Advanced modeling of protein sequence and biophysical properties (such as structural, functional, and spatial information, amino acid conservation, physicochemical variation, residue mobility, and thermodynamic stability) performed at Invitae indicates that this missense variant is expected to disrupt BCKDHB protein function with a positive predictive value of 80%. This variant disrupts the p.Arg183 amino acid residue in BCKDHB. Other variant(s) that disrupt this residue have been determined to be pathogenic (PMID: 11448970, 11509994, 21484869). This suggests that this residue is clinically significant, and that variants that disrupt this residue are likely to be disease-causing. In summary, the currently available evidence indicates that the variant is pathogenic, but additional data are needed to prove that conclusively. Therefore, this variant has been classified as Likely Pathogenic.

Revvity Omics, Revvity
Classification: Likely pathogenic for Maple syrup urine disease type 1A. Last evaluated: 2021-12-28. Review status: criteria provided, single submitter. Criteria: ACMG Guidelines, 2015. Collection method: clinical testing. Allele origin: germline.

Juno Genomics, Hangzhou Juno Genomics, Inc
Classification: Pathogenic for Maple syrup urine disease type 1B. Review status: criteria provided, single submitter. Criteria: ACMG Guidelines, 2015. Collection method: clinical testing. Allele origin: germline. Affected: yes.
Comment: Absent from controls (or at extremely low frequency if recessive) in Genome Aggregation Database.;Multiple lines of computational evidence support a deleterious effect on the gene or gene product.;For recessive disorders, detected in trans with a pathogenic variant.;Patient's phenotype or family history is highly specific for a disease with a single genetic etiology.;Novel missense change at an amino acid residue where a different missense change determined to be pathogenic has been seen before.

Literature cited by the submitters: PubMed 22593002 (cited by 3 submitters); PubMed 26257134 (cited by Women's Health and Genetics/Laboratory Corporation of America, LabCorp); PubMed 28197878 (cited by Women's Health and Genetics/Laboratory Corporation of America, LabCorp); PubMed 11448970 (cited by Labcorp Genetics (formerly Invitae), Labcorp); PubMed 11509994 (cited by Labcorp Genetics (formerly Invitae), Labcorp); PubMed 21484869 (cited by Labcorp Genetics (formerly Invitae), Labcorp).